The following is an entry in ClinVar:

NM_080732.4(EGLN2):c.398A>G (p.Lys133Arg)

Genes: RAB4B-EGLN2 (RAB4B-EGLN2 readthrough (NMD candidate); plus strand), EGLN2 (egl-9 family hypoxia inducible factor 2; plus strand). Cytogenetic location: 19q13.2.
Variant type: single nucleotide variant.
Coding change: c.398A>G on transcript NM_080732.4 (MANE Select); coding-DNA position 398, A replaced by G.
Protein change: p.Lys133Arg; replaces lysine 133 with arginine.
Molecular consequence: missense variant. On other transcripts: non-coding transcript variant (1).
Genome position (GRCh38, 1-based): chr19:40,800,970, A>G. VCF-style: chr19-40800970-A-G. GRCh37 (hg19) VCF-style: chr19-41306875-A-G.
Other names: c.398A>G, p.Lys133Arg (NM_053046.4); short protein forms K133R.
Identifiers: ClinVar variation 1736748 (VCV001736748.2), dbSNP rs749225346, ClinGen allele CA9452207.

ClinVar aggregate classification (germline): Uncertain significance (1 of 4 stars; one submission).

Allele frequency attached by ClinVar (database versions not stated): gnomAD exomes 0.00001; gnomAD 0.00002; TOPMed 0.00002; ExAC 0.00004.

Submission:

Ambry Genetics
Classification: Uncertain significance. Last evaluated: 2023-09-24. Review status: criteria provided, single submitter. Criteria: Ambry Variant Classification Scheme 2023. Collection method: clinical testing. Allele origin: germline.
Comment: The p.K133R variant (also known as c.398A>G), located in coding exon 1 of the EGLN2 gene, results from an A to G substitution at nucleotide position 398. The lysine at codon 133 is replaced by arginine, an amino acid with highly similar properties. This amino acid position is conserved. In addition, this alteration is predicted to be tolerated by in silico analysis. Since supporting evidence is limited at this time, the clinical significance of this alteration remains unclear.